The following is an entry in ClinVar:

NM_002880.4(RAF1):c.1598_1600del (p.Ser533del)

Gene: RAF1 (Raf-1 proto-oncogene, serine/threonine kinase; minus strand). Cytogenetic location: 3p25.2.
Variant type: Deletion.
Coding change: c.1598_1600del on transcript NM_002880.4 (MANE Select); coding-DNA positions 1598 to 1600, 3 bases deleted (CCT; older notation c.1598_1600delCCT).
Protein change: p.Ser533del; deletes serine 533.
Molecular consequence: inframe deletion. On other transcripts: non-coding transcript variant (3).
Genome position (GRCh38, 1-based): chr3:12,585,190-12,585,192, AGG deleted on the plus strand (CCT on the coding strand, the reverse complement: RAF1 is on the minus strand); deleting any 3 consecutive bases within chr3:12,585,190-12,585,194 gives the same sequence; the c. name uses the placement nearest the transcript's 3' end. VCF-style (leftmost placement, unchanged base first): chr3-12585189-TAGG-T. GRCh37 (hg19) VCF-style: chr3-12626688-TAGG-T.
Other names: c.1658_1660del, p.Ser553del (NM_001354689.3); c.1598_1600del, p.Ser533del (NM_001354690.3); c.1355_1357del, p.Ser452del (NM_001354691.3, NM_001354692.3); c.1499_1501del, p.Ser500del (NM_001354693.3); c.1415_1417del, p.Ser472del (NM_001354694.3); c.1256_1258del, p.Ser419del (NM_001354695.3); short protein forms S472del, S533del, S500del, S553del, S452del, S419del.
Identifiers: ClinVar variation 2027068 (VCV002027068.4), dbSNP rs2470181631, ClinGen allele CA2580068504.
Genomic context (GRCh38, chr3:12,585,189, plus strand): 5'-CGGTTGTTGATGTGAGAATAAGGAAGCTCCCCCGTCATCAGTTCATACAATACGATGCCA[TAGG>T]AGTAGACATCCGACTGGAAACTGAATGGGTTGTTATCCTGCATTCGGATCACCTCTGGGG-3'

ClinVar aggregate classification (germline): Uncertain significance (1 of 4 stars; one submission).

Conditions:
RASopathy. Also called: rasopathies; Noonan spectrum disorder. Identifiers: Orphanet 536391, MedGen C5555857, MONDO:0021060.

Submission:

Labcorp Genetics (formerly Invitae), Labcorp
Classification: Uncertain significance for RASopathy. Last evaluated: 2022-08-25. Review status: criteria provided, single submitter. Criteria: Invitae Variant Classification Sherloc (09022015). Collection method: clinical testing. Allele origin: germline.
Comment: In summary, the available evidence is currently insufficient to determine the role of this variant in disease. Therefore, it has been classified as a Variant of Uncertain Significance. Experimental studies and prediction algorithms are not available or were not evaluated, and the functional significance of this variant is currently unknown. This variant has not been reported in the literature in individuals affected with RAF1-related conditions. This variant is not present in population databases (gnomAD no frequency). This variant, c.1598_1600del, results in the deletion of 1 amino acid(s) of the RAF1 protein (p.Ser533del), but otherwise preserves the integrity of the reading frame.